The following is an entry in ClinVar:

ClinVar aggregate classification (germline): Uncertain significance (1 of 4 stars; one submission).

Submission:

Laboratory for Molecular Medicine, Mass General Brigham Personalized Medicine
Classification: Uncertain significance. Last evaluated: 2014-03-06. Review status: criteria provided, single submitter. Criteria: LMM Criteria. Collection method: clinical testing. Allele origin: germline. Observed: 1 variant allele.
Comment: The Gly201Arg variant in LOXHD1 has not been previously reported in individuals with hearing loss and was absent from large population studies. Computational pr ediction tools and conservation analyses suggest that the Gly201Arg variant may impact the protein, though this information is not predictive enough to determin e pathogenicity. In summary, additional information is needed to determine the clinical significance of this variant.

NM_001384474.1(LOXHD1):c.601G>A (p.Gly201Arg)

Gene: LOXHD1 (lipoxygenase homology PLAT domains 1; minus strand). Cytogenetic location: 18q21.1.
Variant type: single nucleotide variant.
Coding change: c.601G>A on transcript NM_001384474.1 (MANE Select); coding-DNA position 601, G replaced by A.
Protein change: p.Gly201Arg; replaces glycine 201 with arginine.
Molecular consequence: missense variant.
Genome position (GRCh38, 1-based): chr18:46,618,201, C>T on the plus strand (G>A on the coding strand, the complement: LOXHD1 is on the minus strand). VCF-style: chr18-46618201-C-T. GRCh37 (hg19) VCF-style: chr18-44198164-C-T.
Other names: c.601G>A, p.Gly201Arg (NM_144612.7); short protein forms G201R.
Identifiers: ClinVar variation 179616 (VCV000179616.4), dbSNP rs727504992, ClinGen allele CA184787.